The following is an entry in ClinVar:

ClinVar aggregate classification (germline): Uncertain significance (1 of 4 stars; one submission).

Submission:

Clinical Genomics Laboratory, Laboratory for Precision Diagnostics, University of Washington
Classification: Uncertain significance. Last evaluated: 2025-02-07. Review status: criteria provided, single submitter. Criteria: ACMG/ClinGen CNV Guidelines, 2019. Collection method: clinical testing. Allele origin: unknown. Affected: yes. Observed: 1 variant allele.

GRCh38/hg38 Xq26.1-26.2(chrX:131206649-131916984)x3

Genes: FIRRE (firre intergenic repeating RNA element; minus strand), IGSF1 (immunoglobulin superfamily member 1; minus strand), OR13H1 (olfactory receptor family 13 subfamily H member 1; plus strand), LOC113875010 (Sharpr-MPRA regulatory region 5272; plus strand), LOC113875011 (Sharpr-MPRA regulatory region 4069; plus strand) and 25 more. Cytogenetic location: Xq26.1-26.2.
Variant type: copy number gain.
Change: copy number 3 of chrX:131,206,649-131,916,984 (710.3 kb, GRCh38 coordinates, 1-based), cytogenetic band Xq26.1-26.2.
Identifiers: ClinVar variation 5038296 (VCV005038296.1).